The following is an entry in ClinVar:

ClinVar aggregate classification (germline): Uncertain significance (1 of 4 stars; one submission).

Allele frequency attached by ClinVar (database versions not stated): TOPMed below 0.00001; gnomAD 0.00001; gnomAD exomes 0.00001.
gnomAD v4.1: 10 of 1,551,990 alleles (0.00064%); highest among the groups gnomAD compares: African/African-American, 0.0014%; no homozygotes.

Submission:

Labcorp Genetics (formerly Invitae), Labcorp
Classification: Uncertain significance. Last evaluated: 2024-10-16. Review status: criteria provided, single submitter. Criteria: Invitae Variant Classification Sherloc (09022015). Collection method: clinical testing. Allele origin: germline.
Comment: This sequence change replaces glutamine, which is neutral and polar, with glutamic acid, which is acidic and polar, at codon 2455 of the UNC80 protein (p.Gln2455Glu). This variant is not present in population databases (gnomAD no frequency). This variant has not been reported in the literature in individuals affected with UNC80-related conditions. ClinVar contains an entry for this variant (Variation ID: 2419283). An algorithm developed to predict the effect of missense changes on protein structure and function (PolyPhen-2) suggests that this variant is likely to be tolerated. In summary, the available evidence is currently insufficient to determine the role of this variant in disease. Therefore, it has been classified as a Variant of Uncertain Significance.

NM_001371986.1(UNC80):c.7561C>G (p.Gln2521Glu)

Gene: UNC80 (unc-80 subunit of NALCN channel complex; plus strand). Cytogenetic location: 2q34.
Variant type: single nucleotide variant.
Coding change: c.7561C>G on transcript NM_001371986.1 (MANE Select); coding-DNA position 7561, C replaced by G.
Protein change: p.Gln2521Glu; replaces glutamine 2521 with glutamic acid.
Molecular consequence: missense variant.
Genome position (GRCh38, 1-based): chr2:209,959,129, C>G. VCF-style: chr2-209959129-C-G. GRCh37 (hg19) VCF-style: chr2-210823853-C-G.
Other names: c.7363C>G, p.Gln2455Glu (NM_032504.2); c.7348C>G, p.Gln2450Glu (NM_182587.4); short protein forms Q2450E, Q2455E, Q2521E.
Identifiers: ClinVar variation 2419283 (VCV002419283.6), dbSNP rs1391789292, ClinGen allele CA350776523.